The following is an entry in ClinVar:

NM_006096.4(NDRG1):c.1109C>G (p.Ala370Gly)

Gene: NDRG1 (N-myc downstream regulated 1; minus strand). Cytogenetic location: 8q24.22.
Variant type: single nucleotide variant.
Coding change: c.1109C>G on transcript NM_006096.4 (MANE Select); coding-DNA position 1109, C replaced by G.
Protein change: p.Ala370Gly; replaces alanine 370 with glycine.
Molecular consequence: missense variant.
Genome position (GRCh38, 1-based): chr8:133,238,954, G>C on the plus strand (C>G on the coding strand, the complement: NDRG1 is on the minus strand). VCF-style: chr8-133238954-G-C. GRCh37 (hg19) VCF-style: chr8-134251197-G-C.
Other names: c.1109C>G, p.Ala370Gly (NM_001135242.2, NM_001374845.1, NM_001374846.1); c.911C>G, p.Ala304Gly (NM_001258432.2, NM_001374847.1); c.866C>G, p.Ala289Gly (NM_001258433.2); c.1160C>G, p.Ala387Gly (NM_001374844.1); short protein forms A370G, A304G, A289G, A387G.
Identifiers: ClinVar variation 543418 (VCV000543418.7), dbSNP rs367925853, ClinGen allele CA4886416.

ClinVar aggregate classification (germline): Uncertain significance. Review status: criteria provided, multiple submitters, no conflicts (2 of 4 stars). 5 submissions from 5 submitters: Uncertain significance (4). 1 of the submissions does not count toward it. Last evaluated 2024-05-30.

Conditions:
Charcot-Marie-Tooth disease. Also called: Charcot-Marie-Tooth Hereditary Neuropathy; Charcot-Marie-Tooth Neuropathy. Identifiers: Orphanet 166, MedGen C0007959, MONDO:0015626.
Charcot-Marie-Tooth disease type 4D. Also called: NEUROPATHY, HEREDITARY MOTOR AND SENSORY, LOM TYPE; Charcot-Marie-Tooth Neuropathy Type 4D; CHARCOT-MARIE-TOOTH DISEASE, DEMYELINATING, TYPE 4D; CHARCOT-MARIE-TOOTH DISEASE, DEMYELINATING, AUTOSOMAL RECESSIVE, TYPE 4D. Identifiers: Orphanet 99950, MedGen C1832334, MONDO:0011085, OMIM 601455.
Charcot-Marie-Tooth disease type 4. Also called: Charcot-Marie-Tooth disease, type IV; Charcot-Marie-Tooth, Type 4. Identifiers: Orphanet 64749, MedGen C4082197, MONDO:0018995.

Allele frequency attached by ClinVar (database versions not stated): TOPMed 0.00001.
gnomAD v4.1: 31 of 1,576,934 alleles (0.002%); highest among the groups gnomAD compares: Middle Eastern, 0.068%; no homozygotes.

Submissions (5):

Blueprint Genetics
Classification: Uncertain significance. Last evaluated: 2024-05-30. Review status: criteria provided, single submitter. Criteria: ACMG Guidelines, 2015. Collection method: clinical testing. Allele origin: germline.

Fulgent Genetics
Classification: Uncertain significance for Charcot-Marie-Tooth disease type 4D. Last evaluated: 2022-05-06. Review status: criteria provided, single submitter. Criteria: ACMG Guidelines, 2015. Collection method: clinical testing. Allele origin: unknown.

Labcorp Genetics (formerly Invitae), Labcorp
Classification: Uncertain significance for Charcot-Marie-Tooth disease type 4. Last evaluated: 2022-05-01. Review status: criteria provided, single submitter. Criteria: Invitae Variant Classification Sherloc (09022015). Collection method: clinical testing. Allele origin: germline.
Comment: This sequence change replaces alanine, which is neutral and non-polar, with glycine, which is neutral and non-polar, at codon 370 of the NDRG1 protein (p.Ala370Gly). The frequency data for this variant in the population databases is considered unreliable, as metrics indicate poor data quality at this position in the gnomAD database. This missense change has been observed in individual(s) with Charcot-Marie-Tooth disease (PMID: 32376792). ClinVar contains an entry for this variant (Variation ID: 543418). Algorithms developed to predict the effect of missense changes on protein structure and function (SIFT, PolyPhen-2, Align-GVGD) all suggest that this variant is likely to be tolerated. In summary, the available evidence is currently insufficient to determine the role of this variant in disease. Therefore, it has been classified as a Variant of Uncertain Significance.

Molecular Genetics Laboratory, London Health Sciences Centre
Classification: Uncertain significance for Charcot-Marie-Tooth disease. Review status: criteria provided, single submitter. Criteria: ACMG Guidelines, 2015. Collection method: clinical testing. Allele origin: germline. Affected: yes.

Natera, Inc.
Classification: Uncertain significance for Charcot-Marie-Tooth disease type 4D. Last evaluated: 2020-08-07. Review status: no assertion criteria provided. Collection method: clinical testing. Allele origin: germline. Not counted in ClinVar's aggregate classification.

Literature cited by the submitters: PubMed 32376792 (cited by Labcorp Genetics (formerly Invitae), Labcorp).